The following is an entry in ClinVar:

ClinVar aggregate classification (germline): Uncertain significance (1 of 4 stars; one submission).

gnomAD v4.1: 2 of 1,613,702 alleles (0.00012%); highest among the groups gnomAD compares: Non-Finnish European, 0.00017%; no homozygotes.

Submission:

GeneDx
Classification: Uncertain significance. Last evaluated: 2024-09-11. Review status: criteria provided, single submitter. Criteria: GeneDx Variant Classification Process June 2021. Collection method: clinical testing. Allele origin: germline. Affected: yes.
Comment: Not observed at significant frequency in large population cohorts (gnomAD); In silico analysis indicates that this missense variant does not alter protein structure/function; Has not been previously published as pathogenic or benign to our knowledge

NM_001042475.3(CEP85L):c.2326G>A (p.Val776Met)

Gene: CEP85L (centrosomal protein 85 like; minus strand). Cytogenetic location: 6q22.31.
Variant type: single nucleotide variant.
Coding change: c.2326G>A on transcript NM_001042475.3 (MANE Select); coding-DNA position 2326, G replaced by A.
Protein change: p.Val776Met; replaces valine 776 with methionine.
Molecular consequence: missense variant.
Genome position (GRCh38, 1-based): chr6:118,465,497, C>T on the plus strand (G>A on the coding strand, the complement: CEP85L is on the minus strand). VCF-style: chr6-118465497-C-T. GRCh37 (hg19) VCF-style: chr6-118786660-C-T.
Other names: c.2335G>A, p.Val779Met (NM_001178035.2); short protein forms V776M, V779M.
Identifiers: ClinVar variation 3769967 (VCV003769967.1).